The following is an entry in ClinVar:

NM_005591.4(MRE11):c.346C>A (p.Leu116Ile)

Gene: MRE11 (MRE11 double strand break repair nuclease; minus strand). Cytogenetic location: 11q21.
Variant type: single nucleotide variant.
Coding change: c.346C>A on transcript NM_005591.4 (MANE Select); coding-DNA position 346, C replaced by A.
Protein change: p.Leu116Ile; replaces leucine 116 with isoleucine.
Molecular consequence: missense variant.
Genome position (GRCh38, 1-based): chr11:94,479,730, G>T on the plus strand (C>A on the coding strand, the complement: MRE11 is on the minus strand). VCF-style: chr11-94479730-G-T. GRCh37 (hg19) VCF-style: chr11-94212896-G-T.
Other names: c.346C>A, p.Leu116Ile (NM_001330347.2, NM_005590.4); short protein forms L116I.
Identifiers: ClinVar variation 231612 (VCV000231612.5), dbSNP rs767598349, ClinGen allele CA10579412.

ClinVar aggregate classification (germline): Uncertain significance (1 of 4 stars; one submission).

Conditions:
Hereditary cancer-predisposing syndrome. Also called: Neoplastic Syndromes, Hereditary; Tumor predisposition; Hereditary Cancer Syndrome; Hereditary neoplastic syndrome. Identifiers: Orphanet 140162, MedGen C0027672, MeSH D009386, MONDO:0015356.

Submission:

Ambry Genetics
Classification: Uncertain significance for Hereditary cancer-predisposing syndrome. Last evaluated: 2015-05-03. Review status: criteria provided, single submitter. Criteria: Ambry Variant Classification Scheme 2023. Collection method: clinical testing. Allele origin: germline.
Comment: The p.L116I variant (also known as c.346C>A), located in coding exon 4 of the MRE11A gene, results from a C to A substitution at nucleotide position 346. The leucine at codon 116 is replaced by isoleucine, an amino acid with highly similar properties. This variant was not reported in population based cohorts in the following databases: Database of Single Nucleotide Polymorphisms (dbSNP), NHLBI Exome Sequencing Project (ESP), and 1000 Genomes Project. In the ESP, this variant was not observed in 6499 samples (12998 alleles) with coverage at this position. To date, this alteration has been detected with an allele frequency of approximately 0.002% (greater than 65000 alleles tested) in our clinical cohort. This amino acid position is highly conserved in available vertebrate species. In addition, the in silico prediction for this alteration is inconclusive. Since supporting evidence is limited at this time, the clinical significance of p.L116I remains unclear.